The following is an entry in ClinVar:

NM_001267550.2(TTN):c.15835A>G (p.Thr5279Ala)

Gene: TTN (titin; minus strand). Cytogenetic location: 2q31.2.
Variant type: single nucleotide variant.
Coding change: c.15835A>G on transcript NM_001267550.2 (MANE Select); coding-DNA position 15835, A replaced by G.
Protein change: p.Thr5279Ala; replaces threonine 5279 with alanine.
Molecular consequence: missense variant. On other transcripts: intron variant (3).
Genome position (GRCh38, 1-based): chr2:178,733,458, T>C on the plus strand (A>G on the coding strand, the complement: TTN is on the minus strand). VCF-style: chr2-178733458-T-C. GRCh37 (hg19) VCF-style: chr2-179598185-T-C.
Other names: c.15835A>G (NM_001267550.1); c.14884A>G, p.Thr4962Ala (NM_001256850.1); c.12103A>G, p.Thr4035Ala (NM_133378.4); c.13282+4624A>G (NM_003319.4); c.13858+4624A>G (NM_133437.4); c.13657+4624A>G (NM_133432.3); short protein forms T4035A, T5279A, T4962A.
Identifiers: ClinVar variation 192029 (VCV000192029.3), dbSNP rs559795262, ClinGen allele CA238141.

ClinVar aggregate classification (germline): Uncertain significance. Review status: criteria provided, multiple submitters, no conflicts (2 of 4 stars). 3 submissions from 3 submitters: Uncertain significance (3). Last evaluated 2026-09-24.

Conditions:
TTN-related disorder. Also called: TTN-related condition; TTN-related disease; TTN-related disorders.

Allele frequency attached by ClinVar (database versions not stated): gnomAD exomes below 0.00001; TOPMed below 0.00001; ExAC 0.00001; gnomAD 0.00001; 1000 Genomes Project 30x 0.00016; 1000 Genomes Project 0.00020.
gnomAD v4.1: 3 of 1,613,832 alleles (0.00019%); highest among the groups gnomAD compares: East Asian, 0.0045%; no homozygotes.

Submissions (3):

PreventionGenetics, part of Exact Sciences
Classification: Uncertain significance for TTN-related condition. Last evaluated: 2026-09-24. Review status: criteria provided, single submitter. Criteria: ACMG Guidelines, 2015. Collection method: clinical testing. Allele origin: germline.
Comment: The TTN c.15835A>G variant is predicted to result in the amino acid substitution p.Thr5279Ala. To our knowledge, this variant has not been reported in the literature in individuals with TTN-related disorders. This variant is reported in 0.010% of alleles in individuals of East Asian descent in gnomAD. At this time, the clinical significance of this variant is uncertain due to the absence of conclusive functional and genetic evidence.

GeneDx
Classification: Uncertain significance. Last evaluated: 2026-01-29. Review status: criteria provided, single submitter. Criteria: GeneDx Variant Classification Process June 2021. Collection method: clinical testing. Allele origin: germline.
Comment: Not observed at significant frequency in large population cohorts (gnomAD); Missense variant in a gene in which most reported pathogenic variants are truncating/loss of function; Has not been previously published as pathogenic or benign to our knowledge

Biesecker Lab/Clinical Genomics Section, National Institutes of Health
Classification: Uncertain significance. Last evaluated: 2013-06-24. Review status: criteria provided, single submitter. Criteria: Ng et al. (Circ Cardiovasc Genet. 2013). Collection method: research. Allele origin: unknown. Observed: 1 variant allele. Study: ClinSeq.
Comment: The study set was not selected for affection status in relation to any cancer. Pathogenicity categories were based on literature curation. See Pubmed ID:23861362 for details.

Medical sequencing